The following is an entry in ClinVar:

NM_031935.3(HMCN1):c.7733G>A (p.Ser2578Asn)

Gene: HMCN1 (hemicentin 1; plus strand). Cytogenetic location: 1q31.1.
Variant type: single nucleotide variant.
Coding change: c.7733G>A on transcript NM_031935.3 (MANE Select); coding-DNA position 7733, G replaced by A.
Protein change: p.Ser2578Asn; replaces serine 2578 with asparagine.
Molecular consequence: missense variant.
Genome position (GRCh38, 1-based): chr1:186,067,861, G>A. VCF-style: chr1-186067861-G-A. GRCh37 (hg19) VCF-style: chr1-186036993-G-A.
Other names: c.7733G>A (NM_031935.2); short protein forms S2578N.
Identifiers: ClinVar variation 2904802 (VCV002904802.4), dbSNP rs373729512, ClinGen allele CA1292933.

ClinVar aggregate classification (germline): Uncertain significance. Review status: criteria provided, multiple submitters, no conflicts (2 of 4 stars). 2 submissions from 2 submitters: Uncertain significance (2). Last evaluated 2025-01-22.

Allele frequency attached by ClinVar (database versions not stated): ExAC 0.00001; gnomAD 0.00003; TOPMed 0.00004; ESP Exome Variant Server 0.00008.
gnomAD v4.1: 14 of 1,612,956 alleles (0.00087%); highest among the groups gnomAD compares: African/African-American, 0.0067%; no homozygotes.

Submissions (2):

Ambry Genetics
Classification: Uncertain significance. Last evaluated: 2025-01-22. Review status: criteria provided, single submitter. Criteria: Ambry Variant Classification Scheme 2023. Collection method: clinical testing. Allele origin: germline.

Labcorp Genetics (formerly Invitae), Labcorp
Classification: Uncertain significance. Last evaluated: 2022-12-31. Review status: criteria provided, single submitter. Criteria: Invitae Variant Classification Sherloc (09022015). Collection method: clinical testing. Allele origin: germline.
Comment: In summary, the available evidence is currently insufficient to determine the role of this variant in disease. Therefore, it has been classified as a Variant of Uncertain Significance. Algorithms developed to predict the effect of missense changes on protein structure and function output the following: SIFT: "Tolerated"; PolyPhen-2: "Benign"; Align-GVGD: "Class C0". The asparagine amino acid residue is found in multiple mammalian species, which suggests that this missense change does not adversely affect protein function. This variant has not been reported in the literature in individuals affected with HMCN1-related conditions. This variant is present in population databases (rs373729512, gnomAD 0.004%). This sequence change replaces serine, which is neutral and polar, with asparagine, which is neutral and polar, at codon 2578 of the HMCN1 protein (p.Ser2578Asn).